The following is an entry in ClinVar:

NM_001875.5(CPS1):c.2548C>T (p.Arg850Cys)

Gene: CPS1 (carbamoyl-phosphate synthase 1; plus strand). Cytogenetic location: 2q34.
Variant type: single nucleotide variant.
Coding change: c.2548C>T on transcript NM_001875.5 (MANE Select); coding-DNA position 2548, C replaced by T.
Protein change: p.Arg850Cys; replaces arginine 850 with cysteine.
Molecular consequence: missense variant. On other transcripts: non-coding transcript variant (2).
Genome position (GRCh38, 1-based): chr2:210,612,273, C>T. VCF-style: chr2-210612273-C-T. GRCh37 (hg19) VCF-style: chr2-211476997-C-T.
Other names: c.2548C>T, p.Arg850Cys (NM_001122633.3, NM_001369257.1); c.2581C>T, p.Arg861Cys (NM_001369256.1); short protein forms R850C, R861C.
Identifiers: ClinVar variation 2203249 (VCV002203249.7), dbSNP rs1015051007, ClinGen allele CA64765687.

ClinVar aggregate classification (germline): Pathogenic/Likely pathogenic. Review status: criteria provided, multiple submitters, no conflicts (2 of 4 stars). 6 submissions from 5 submitters: Pathogenic (2); Likely pathogenic (4). Last evaluated 2025-07-07.

Conditions:
Pulmonary hypertension, neonatal, susceptibility to (PHN). Identifiers: MedGen C3714958, MONDO:0014151, OMIM 615371.
Hereditary breast ovarian cancer syndrome. Also called: Hereditary breast and ovarian cancer; Hereditary breast and ovarian cancer syndrome (HBOC); BRCA1- and BRCA2-Associated Hereditary Breast and Ovarian Cancer; Breast and ovarian cancer; Hereditary breast and/or ovarian cancer syndrome; Hereditary breast and ovarian cancer syndrome. Identifiers: Orphanet 145, MedGen C0677776, MeSH D061325, MONDO:0003582. Disease mechanism: loss of function.
Congenital hyperammonemia, type I. Also called: Carbamoyl phosphate synthetase 1 deficiency; Hyperammonemia due to carbamoyl phosphate synthetase 1 deficiency; CPS 1 deficiency; Carbamyl phosphate synthetase (CPS) deficiency; Carbamoyl-phosphate synthase I deficiency; CPS I DEFICIENCY. Identifiers: Orphanet 147, MedGen C4082171, MONDO:0009376, OMIM 237300.

Allele frequency attached by ClinVar (database versions not stated): gnomAD 0.00001.
gnomAD v4.1: 21 of 1,611,680 alleles (0.0013%); highest among the groups gnomAD compares: East Asian, 0.0045%; no homozygotes.

Submissions (6):

Natera, Inc.
Classification: Likely pathogenic for Carbamoyl-phosphate synthase I deficiency. Last evaluated: 2025-07-07. Review status: criteria provided, single submitter. Criteria: Natera Variant Classification Schema (03/2026). Collection method: clinical testing. Allele origin: germline.
Comment: The c.2548C>T variant in CPS1 is a missense variant predicted to cause substitution of arginine to cysteine at amino acid 850. This variant is rare in the general population with a frequency below the threshold expected for the associated phenotype(s). This variant has been observed in one or more individuals affected with the associated recessive disease, as either homozygous or compound heterozygous with a second variant (PMID: 17310273). A different variant at the same position has been determined to be Pathogenic or Likely Pathogenic. Computational prediction algorithms indicate this variant is likely to affect gene or protein function. Given the available evidence, this variant is classified as Likely Pathogenic.

Fulgent Genetics
Classification: Pathogenic for Congenital hyperammonemia, type I; Pulmonary hypertension, neonatal, susceptibility to. Last evaluated: 2024-03-08. Review status: criteria provided, single submitter. Criteria: ACMG Guidelines, 2015. Collection method: clinical testing. Allele origin: germline.

Women's Health and Genetics/Laboratory Corporation of America, LabCorp
Classification: Likely pathogenic for Congenital hyperammonemia, type I. Last evaluated: 2024-03-08. Review status: criteria provided, single submitter. Criteria: LabCorp Variant Classification Summary - May 2015. Collection method: clinical testing. Allele origin: germline.
Comment: Variant summary: CPS1 c.2548C>T (p.Arg850Cys) results in a non-conservative amino acid change located in the large subunit oligomerisation domain (IPR005480) of the encoded protein sequence. Five of five in-silico tools predict a damaging effect of the variant on protein function. The variant allele was found at a frequency of 1.2e-05 in 250762 control chromosomes. c.2548C>T has been reported in the literature as a biallelic genotype in individuals affected with Carbamoylphosphate Synthetase I Deficiency (e.g. Kurokawa_2007, Mew_2014, Makris_2021, Bai_2022). These data indicate that the variant may be associated with disease. At least one publication reports experimental evidence evaluating an impact on protein function (Diez-Fernandez_2014). The most pronounced variant effect results in 10%-<30% of normal enzyme activity. The following publications have been ascertained in the context of this evaluation (PMID: 36340787, 24813853, 17310273, 33309754, 24880889). ClinVar contains an entry for this variant (Variation ID: 2203249). Based on the evidence outlined above, the variant was classified as likely pathogenic.

Women's Health and Genetics/Laboratory Corporation of America, LabCorp
Classification: Likely pathogenic for Hereditary breast ovarian cancer syndrome. Last evaluated: 2024-03-08. Review status: criteria provided, single submitter. Criteria: LabCorp Variant Classification Summary - May 2015. Collection method: clinical testing. Allele origin: germline.

Baylor Genetics
Classification: Pathogenic for Pulmonary hypertension, neonatal, susceptibility to. Last evaluated: 2023-12-17. Review status: criteria provided, single submitter. Criteria: ACMG Guidelines, 2015. Collection method: clinical testing. Allele origin: unknown.

Labcorp Genetics (formerly Invitae), Labcorp
Classification: Likely pathogenic for Congenital hyperammonemia, type I. Last evaluated: 2021-10-31. Review status: criteria provided, single submitter. Criteria: Invitae Variant Classification Sherloc (09022015). Collection method: clinical testing. Allele origin: germline.
Comment: This sequence change replaces arginine, which is basic and polar, with cysteine, which is neutral and slightly polar, at codon 850 of the CPS1 protein (p.Arg850Cys). This variant is present in population databases (no rsID available, gnomAD 0.003%). This missense change has been observed in individuals with carbamoyl phosphate synthetase deficiency (PMID: 17310273, 24880889). Algorithms developed to predict the effect of missense changes on protein structure and function are either unavailable or do not agree on the potential impact of this missense change (SIFT: "Deleterious"; PolyPhen-2: "Probably Damaging"; Align-GVGD: "Class C0"). Experimental studies have shown that this missense change affects CPS1 function (PMID: 24813853). This variant disrupts the p.Arg850 amino acid residue in CPS1. Other variant(s) that disrupt this residue have been determined to be pathogenic (PMID: 15617192, 22575620, 27150549). This suggests that this residue is clinically significant, and that variants that disrupt this residue are likely to be disease-causing. In summary, the currently available evidence indicates that the variant is pathogenic, but additional data are needed to prove that conclusively. Therefore, this variant has been classified as Likely Pathogenic.

Literature cited by the submitters: PubMed 17310273 (cited by 3 submitters); PubMed 33309754 (cited by Women's Health and Genetics/Laboratory Corporation of America, LabCorp); PubMed 24813853 (cited by Women's Health and Genetics/Laboratory Corporation of America, LabCorp and Labcorp Genetics (formerly Invitae), Labcorp); PubMed 36340787 (cited by Women's Health and Genetics/Laboratory Corporation of America, LabCorp); PubMed 24880889 (cited by Women's Health and Genetics/Laboratory Corporation of America, LabCorp and Labcorp Genetics (formerly Invitae), Labcorp); PubMed 15617192 (cited by Labcorp Genetics (formerly Invitae), Labcorp); PubMed 22575620 (cited by Labcorp Genetics (formerly Invitae), Labcorp); PubMed 27150549 (cited by Labcorp Genetics (formerly Invitae), Labcorp).